The following is an entry in ClinVar:

NM_002474.3(MYH11):c.1847C>G (p.Ala616Gly)

Gene: MYH11 (myosin heavy chain 11; minus strand). Cytogenetic location: 16p13.11.
Variant type: single nucleotide variant.
Coding change: c.1847C>G on transcript NM_002474.3 (MANE Select); coding-DNA position 1847, C replaced by G.
Protein change: p.Ala616Gly; replaces alanine 616 with glycine.
Molecular consequence: missense variant.
Genome position (GRCh38, 1-based): chr16:15,753,411, G>C on the plus strand (C>G on the coding strand, the complement: MYH11 is on the minus strand). VCF-style: chr16-15753411-G-C. GRCh37 (hg19) VCF-style: chr16-15847268-G-C.
Other names: c.1868C>G, p.Ala623Gly (NM_001040113.2, NM_001040114.2); c.1847C>G, p.Ala616Gly (NM_022844.3); short protein forms A616G, A623G.
Identifiers: ClinVar variation 926049 (VCV000926049.10), dbSNP rs140688587, ClinGen allele CA7922499.

ClinVar aggregate classification (germline): Uncertain significance. Review status: criteria provided, multiple submitters, no conflicts (2 of 4 stars). 3 submissions from 3 submitters: Uncertain significance (3). Last evaluated 2025-12-10.

Conditions:
Aortic aneurysm, familial thoracic 4 (AAT4). Also called: AORTIC ANEURYSM/AORTIC DISSECTION AND PATENT DUCTUS ARTERIOSUS. Identifiers: MedGen C1851504, MONDO:0007568, OMIM 132900.
Familial thoracic aortic aneurysm and aortic dissection (TAAD). Also called: Thoracic aortic aneurysms and dissections. Identifiers: Orphanet 91387, MedGen C4707243, MONDO:0019625.

Allele frequency attached by ClinVar (database versions not stated): gnomAD exomes below 0.00001 and 0.00002; TOPMed below 0.00001; ExAC 0.00001; gnomAD 0.00001; ESP Exome Variant Server 0.00008.
gnomAD v4.1: 24 of 1,613,950 alleles (0.0015%); highest among the groups gnomAD compares: Non-Finnish European, 0.002%; no homozygotes.

Submissions (3):

Labcorp Genetics (formerly Invitae), Labcorp
Classification: Uncertain significance for Aortic aneurysm, familial thoracic 4. Last evaluated: 2025-12-10. Review status: criteria provided, single submitter. Criteria: Invitae Variant Classification Sherloc (09022015). Collection method: clinical testing. Allele origin: germline.
Comment: This sequence change replaces alanine, which is neutral and non-polar, with glycine, which is neutral and non-polar, at codon 623 of the MYH11 protein (p.Ala623Gly). This variant is present in population databases (rs140688587, gnomAD 0.002%). This missense change has been observed in individual(s) with abdominal aortic aneurysm and/or chronic intestinal pseudo-obstruction (PMID: 26017485, 29781137). ClinVar contains an entry for this variant (Variation ID: 926049). Invitae Evidence Modeling of protein sequence and biophysical properties (such as structural, functional, and spatial information, amino acid conservation, physicochemical variation, residue mobility, and thermodynamic stability) indicates that this missense variant is not expected to disrupt MYH11 protein function with a negative predictive value of 95%. In summary, the available evidence is currently insufficient to determine the role of this variant in disease. Therefore, it has been classified as a Variant of Uncertain Significance.

Color Diagnostics, LLC DBA Color Health
Classification: Uncertain significance for Familial thoracic aortic aneurysm and aortic dissection. Last evaluated: 2025-05-27. Review status: criteria provided, single submitter. Criteria: ACMG Guidelines, 2015. Collection method: clinical testing. Allele origin: germline.
Comment: This missense variant replaces alanine with glycine at codon 623 of the MYH11 protein. Computational prediction suggests that this variant may not impact protein structure and function. To our knowledge, functional studies have not been reported for this variant. This variant has been reported to not segregate with disease in a family affected with abdominal aortic aneurysm (PMID: 26017485). This variant has been also reported in an individual affected with primary chronic intestinal pseudo-obstruction (PMID: 29781137)this variant was present also present in an affected sibling and in an unaffected parent. This variant has been identified in 2/282862 chromosomes in the general population by the Genome Aggregation Database (gnomAD). The available evidence is insufficient to determine the role of this variant in disease conclusively. Therefore, this variant is classified as a Variant of Uncertain Significance.

All of Us Research Program, National Institutes of Health
Classification: Uncertain significance for Familial thoracic aortic aneurysm and aortic dissection. Last evaluated: 2023-06-26. Review status: criteria provided, single submitter. Criteria: ACMG Guidelines, 2015. Collection method: clinical testing. Allele origin: germline. Inheritance: Autosomal dominant inheritance. Observed: 3 variant alleles, 3 heterozygotes.
Comment: This missense variant replaces alanine with glycine at codon 623 of the MYH11 protein. Computational prediction suggests that this variant may not impact protein structure and function (internally defined REVEL score threshold <= 0.5, PMID: 27666373). To our knowledge, functional studies have not been reported for this variant. This variant has been reported to not segregate with disease in a family affected with abdominal aortic aneurysm (PMID: 26017485). This variant has been identified in 2/282862 chromosomes in the general population by the Genome Aggregation Database (gnomAD). The available evidence is insufficient to determine the role of this variant in disease conclusively. Therefore, this variant is classified as a Variant of Uncertain Significance.

This study involves interpretation of variants in research participants for the purpose of population health screening. Participant phenotype was not available at the time of variant classification. Additional details can be found in publication PMID: 35346344, PMCID: PMC8962531

Literature cited by the submitters: PubMed 26017485 (cited by 3 submitters); PubMed 29781137 (cited by Labcorp Genetics (formerly Invitae), Labcorp and Color Diagnostics, LLC DBA Color Health).